The following is an entry in ClinVar:

ClinVar aggregate classification (germline): Benign/Likely benign. Review status: criteria provided, multiple submitters, no conflicts (2 of 4 stars). 9 submissions from 9 submitters: Benign (7); Likely benign (1). 1 of the submissions does not count toward it. Last evaluated 2026-02-04.

Conditions:
Usher syndrome type 2C. Also called: Usher syndrome, type 2B; USHER SYNDROME, TYPE IIC. Identifiers: Orphanet 231178, Orphanet 886, MedGen C2931213, MONDO:0011558, OMIM 605472.
Febrile seizures, familial, 4 (FEB4). Also called: CONVULSIONS, FAMILIAL FEBRILE, 4. Identifiers: MedGen C1858493, MONDO:0011443, OMIM 604352.

Allele frequency attached by ClinVar (database versions not stated): gnomAD exomes 0.00235 and 0.00634; ExAC 0.00903; gnomAD 0.02358; ESP Exome Variant Server 0.02626; TOPMed 0.02955; 1000 Genomes Project 0.03155; 1000 Genomes Project 30x 0.03420.
gnomAD v4.1: 7,490 of 1,610,828 alleles (0.46%); highest among the groups gnomAD compares: African/African-American, 8.9%; 305 homozygotes.

Submissions (9):

Labcorp Genetics (formerly Invitae), Labcorp
Classification: Benign. Last evaluated: 2026-02-04. Review status: criteria provided, single submitter. Criteria: Invitae Variant Classification Sherloc (09022015). Collection method: clinical testing. Allele origin: germline.

ARUP Laboratories, Molecular Genetics and Genomics, ARUP Laboratories
Classification: Benign. Last evaluated: 2023-11-22. Review status: criteria provided, single submitter. Criteria: ARUP Molecular Germline Variant Investigation Process 2024. Collection method: clinical testing. Allele origin: germline.

Fulgent Genetics
Classification: Likely benign for Febrile seizures, familial, 4; Usher syndrome type 2C. Last evaluated: 2021-11-05. Review status: criteria provided, single submitter. Criteria: ACMG Guidelines, 2015. Collection method: clinical testing. Allele origin: unknown.

Illumina Laboratory Services, Illumina
Classification: Benign for Usher syndrome type 2C. Last evaluated: 2018-01-13. Review status: criteria provided, single submitter. Criteria: ICSL Variant Classification Criteria 13 December 2019. Collection method: clinical testing. Allele origin: germline.
Comment: This variant was observed in the ICSL laboratory as part of a predisposition screen in an ostensibly healthy population. It had not been previously curated by ICSL or reported in the Human Gene Mutation Database (HGMD: prior to June 1st, 2018), and was therefore a candidate for classification through an automated scoring system. Utilizing variant allele frequency, disease prevalence and penetrance estimates, and inheritance mode, an automated score was calculated to assess if this variant is too frequent to cause the disease. Based on the score and internal cut-off values, a variant classified as benign is not then subjected to further curation. The score for this variant resulted in a classification of benign for this disease.

Athena Diagnostics
Classification: Benign. Last evaluated: 2017-09-14. Review status: criteria provided, single submitter. Criteria: Athena Diagnostics Criteria. Collection method: clinical testing. Allele origin: germline.

GeneDx
Classification: Benign. Last evaluated: 2014-02-10. Review status: criteria provided, single submitter. Criteria: GeneDx Variant Classification (06012015). Collection method: clinical testing. Allele origin: germline. Affected: yes.
Comment: This variant is considered likely benign or benign based on one or more of the following criteria: it is a conservative change, it occurs at a poorly conserved position in the protein, it is predicted to be benign by multiple in silico algorithms, and/or has population frequency not consistent with disease.

Laboratory for Molecular Medicine, Mass General Brigham Personalized Medicine
Classification: Benign. Last evaluated: 2011-05-04. Review status: criteria provided, single submitter. Criteria: LMM Criteria. Collection method: clinical testing. Allele origin: germline. Observed: 43 variant alleles.
Comment: Arg2959Gln in exon 40 of GPR98: This variant is not expected to have clinical si gnificance because this residue is not conserved across species. Of note, mouse, elephant and frog have a glutamine at this position. In addition, this variant has been identified in dbSNP in 6.8% (8/118) West African control chromosomes (r s73175207).

PreventionGenetics, part of Exact Sciences
Classification: Benign. Review status: criteria provided, single submitter. Criteria: ACMG Guidelines, 2015. Collection method: clinical testing. Allele origin: germline.

Genetic Services Laboratory, University of Chicago
Classification: Likely benign. Review status: no assertion criteria provided. Collection method: clinical testing. Allele origin: germline. Inheritance: Autosomal dominant inheritance. Not counted in ClinVar's aggregate classification.
Comment: Likely benign based on allele frequency in 1000 Genomes Project or ESP global frequency and its presence in a patient with a rare or unrelated disease phenotype. NOT Sanger confirmed

NM_032119.4(ADGRV1):c.8876G>A (p.Arg2959Gln)

Gene: ADGRV1 (adhesion G protein-coupled receptor V1; plus strand). Cytogenetic location: 5q14.3.
Variant type: single nucleotide variant.
Coding change: c.8876G>A on transcript NM_032119.4 (MANE Select); coding-DNA position 8876, G replaced by A.
Protein change: p.Arg2959Gln; replaces arginine 2959 with glutamine.
Molecular consequence: missense variant. On other transcripts: non-coding transcript variant (1).
Genome position (GRCh38, 1-based): chr5:90,711,032, G>A. VCF-style: chr5-90711032-G-A. GRCh37 (hg19) VCF-style: chr5-90006849-G-A.
Other names: p.R2959Q:CGA>CAA; short protein forms R2959Q.
Identifiers: ClinVar variation 46400 (VCV000046400.34), dbSNP rs73175207, ClinGen allele CA138259.